The following is an entry in ClinVar:

NM_006767.4(LZTR1):c.583G>C (p.Gly195Arg)

Gene: LZTR1 (leucine zipper like post translational regulator 1; plus strand). Cytogenetic location: 22q11.21.
Variant type: single nucleotide variant.
Coding change: c.583G>C on transcript NM_006767.4 (MANE Select); coding-DNA position 583, G replaced by C.
Protein change: p.Gly195Arg; replaces glycine 195 with arginine.
Molecular consequence: missense variant.
Genome position (GRCh38, 1-based): chr22:20,988,862, G>C. VCF-style: chr22-20988862-G-C. GRCh37 (hg19) VCF-style: chr22-21343151-G-C.
Other names: short protein forms G195R.
Identifiers: ClinVar variation 4531819 (VCV004531819.1).

ClinVar aggregate classification (germline): Uncertain significance (1 of 4 stars; one submission).

Conditions:
Noonan syndrome 10 (NS10). Identifiers: Orphanet 648, MedGen C4225280, MONDO:0014693, OMIM 616564.

Submission:

Victorian Clinical Genetics Services, Murdoch Childrens Research Institute
Classification: Uncertain significance for Noonan syndrome 10. Last evaluated: 2025-09-03. Review status: criteria provided, single submitter. Criteria: ACMG Guidelines, 2015. Collection method: clinical testing. Allele origin: germline. Affected: yes.
Comment: This variant is classified as VUS-3A. Evidence in support of pathogenic classification: Variant is absent from gnomAD (v2, v3 and v4); Missense variant predicted to be damaging by in silico tool(s) or highly conserved with a major amino acid change; Additional information: Variant is predicted to result in a missense amino acid change from Gly to Arg; This variant is heterozygous; This gene is associated with both recessive and dominant disease; Alternative amino acid change(s) at the same position are present in gnomAD (Highest alelle count: v4: 4 heterozygote(s), 0 homozygote(s)) ; This variant has no previous evidence of pathogenicity; No published evidence of segregation with disease has been identified for this variant; No published functional evidence has been identified for this variant; Other missense variants comparable to the one identified in this case have inconclusive previous evidence for pathogenicity. p.(Gly195Asp), p.(Gly195Val), and p.(Gly195Ser) have been classified as VUS by clinical laboratories in ClinVar; Variant is located in the annotated kelch domain 3 (PMID: 25795793); Loss of function is a known mechanism of disease in this gene and is associated with autosomal recessive Noonan syndrome 2 (MIM#605275). Dominant negative is the suspected mechanism for autosomal dominant Noonan syndrome 10 (MIM#616564).

Literature cited by the submitters: PubMed 25795793.